The following is an entry in ClinVar:

ClinVar aggregate classification (germline): Uncertain significance (1 of 4 stars; one submission).

Conditions:
Primary ciliary dyskinesia. Also called: Ciliary dyskinesia. Identifiers: Orphanet 244, MedGen C0008780, MONDO:0016575, HP:0012265.

Submission:

Labcorp Genetics (formerly Invitae), Labcorp
Classification: Uncertain significance for Primary ciliary dyskinesia. Last evaluated: 2022-08-31. Review status: criteria provided, single submitter. Criteria: Invitae Variant Classification Sherloc (09022015). Collection method: clinical testing. Allele origin: germline.
Comment: In summary, the available evidence is currently insufficient to determine the role of this variant in disease. Therefore, it has been classified as a Variant of Uncertain Significance. Algorithms developed to predict the effect of missense changes on protein structure and function are either unavailable or do not agree on the potential impact of this missense change (SIFT: "Deleterious"; PolyPhen-2: "Benign"; Align-GVGD: "Class C0"). ClinVar contains an entry for this variant (Variation ID: 943685). This variant has not been reported in the literature in individuals affected with CCDC114-related conditions. This variant is not present in population databases (gnomAD no frequency). This sequence change replaces arginine, which is basic and polar, with lysine, which is basic and polar, at codon 620 of the CCDC114 protein (p.Arg620Lys).

NM_001364171.2(ODAD1):c.1970G>A (p.Arg657Lys)

Gene: ODAD1 (outer dynein arm docking complex subunit 1; minus strand). Cytogenetic location: 19q13.33.
Variant type: single nucleotide variant.
Coding change: c.1970G>A on transcript NM_001364171.2 (MANE Select); coding-DNA position 1970, G replaced by A.
Protein change: p.Arg657Lys; replaces arginine 657 with lysine.
Molecular consequence: missense variant.
Genome position (GRCh38, 1-based): chr19:48,297,130, C>T on the plus strand (G>A on the coding strand, the complement: ODAD1 is on the minus strand). VCF-style: chr19-48297130-C-T. GRCh37 (hg19) VCF-style: chr19-48800387-C-T.
Other names: c.1859G>A, p.Arg620Lys (NM_144577.4); short protein forms R657K, R620K.
Identifiers: ClinVar variation 943685 (VCV000943685.10), dbSNP rs1968309990, ClinGen allele CA406651388.